The following is an entry in ClinVar:

NM_138792.4(LEO1):c.1436T>C (p.Leu479Pro)

Gene: LEO1 (LEO1 component of Paf1/RNA polymerase II complex; minus strand). Cytogenetic location: 15q21.2.
Variant type: single nucleotide variant.
Coding change: c.1436T>C on transcript NM_138792.4 (MANE Select); coding-DNA position 1436, T replaced by C.
Protein change: p.Leu479Pro; replaces leucine 479 with proline.
Molecular consequence: missense variant.
Genome position (GRCh38, 1-based): chr15:51,953,168, A>G on the plus strand (T>C on the coding strand, the complement: LEO1 is on the minus strand). VCF-style: chr15-51953168-A-G. GRCh37 (hg19) VCF-style: chr15-52245365-A-G.
Other names: c.1256T>C, p.Leu419Pro (NM_001286430.2); c.1436T>C, p.Leu479Pro (NM_001323903.2, NM_001323904.2, NM_001426597.1 and 1 more transcripts); short protein forms L419P, L479P.
Identifiers: ClinVar variation 5008119 (VCV005008119.1).
Genomic context (GRCh38, chr15:51,953,168, plus strand): 5'-CATAATAATAATAACAGTTACCTGAAGGTGAGTTTCGTTTTAAAGACTGCTTGTCCCTGT[A>G]GACCAGTACCTTGTCTTATAAAAAGATGATTGTGGTCGCCCTGCAGTGGGGCTTTGTACA-3'
Protein context (NP_620147.1, residues 469-489): NHLFIRQGTG[Leu479Pro]QGQAVFKTKL

ClinVar aggregate classification (germline): Uncertain significance (1 of 4 stars; one submission).

Submission:

GeneDx
Classification: Uncertain significance. Last evaluated: 2026-03-02. Review status: criteria provided, single submitter. Criteria: GeneDx Variant Classification Process June 2021. Collection method: clinical testing. Allele origin: germline.
Comment: Not observed at significant frequency in large population cohorts (gnomAD); In silico analysis supports that this missense variant has a deleterious effect on protein structure/function; Has not been previously published as pathogenic or benign to our knowledge